The following is an entry in ClinVar:

NM_007348.4(ATF6):c.884G>C (p.Ser295Thr)

Gene: ATF6 (activating transcription factor 6; plus strand). Cytogenetic location: 1q23.3.
Variant type: single nucleotide variant.
Coding change: c.884G>C on transcript NM_007348.4 (MANE Select); coding-DNA position 884, G replaced by C.
Protein change: p.Ser295Thr; replaces serine 295 with threonine.
Molecular consequence: missense variant.
Genome position (GRCh38, 1-based): chr1:161,802,247, G>C. VCF-style: chr1-161802247-G-C. GRCh37 (hg19) VCF-style: chr1-161772037-G-C.
Other names: short protein forms S295T.
Identifiers: ClinVar variation 1368063 (VCV001368063.8), dbSNP rs1164371109, ClinGen allele CA343388903.

ClinVar aggregate classification (germline): Uncertain significance (1 of 4 stars; one submission).

Allele frequency attached by ClinVar (database versions not stated): TOPMed below 0.00001.

Submission:

Labcorp Genetics (formerly Invitae), Labcorp
Classification: Uncertain significance. Last evaluated: 2021-04-17. Review status: criteria provided, single submitter. Criteria: Invitae Variant Classification Sherloc (09022015). Collection method: clinical testing. Allele origin: germline.
Comment: In summary, the available evidence is currently insufficient to determine the role of this variant in disease. Therefore, it has been classified as a Variant of Uncertain Significance. Algorithms developed to predict the effect of missense changes on protein structure and function output the following: SIFT: "Tolerated"; PolyPhen-2: "Benign"; Align-GVGD: "Class C0". The threonine amino acid residue is found in multiple mammalian species, suggesting that this missense change does not adversely affect protein function. These predictions have not been confirmed by published functional studies and their clinical significance is uncertain. This variant has not been reported in the literature in individuals with ATF6-related conditions. This variant is not present in population databases (ExAC no frequency). This sequence change replaces serine with threonine at codon 295 of the ATF6 protein (p.Ser295Thr). The serine residue is moderately conserved and there is a small physicochemical difference between serine and threonine.